The following is an entry in ClinVar:

NM_001303256.3(MORC2):c.1271C>G (p.Thr424Arg)

Gene: MORC2 (MORC family CW-type zinc finger 2; minus strand). Cytogenetic location: 22q12.2.
Variant type: single nucleotide variant.
Coding change: c.1271C>G on transcript NM_001303256.3 (MANE Select); coding-DNA position 1271, C replaced by G.
Protein change: p.Thr424Arg; replaces threonine 424 with arginine.
Molecular consequence: missense variant.
Genome position (GRCh38, 1-based): chr22:30,937,913, G>C on the plus strand (C>G on the coding strand, the complement: MORC2 is on the minus strand). VCF-style: chr22-30937913-G-C. GRCh37 (hg19) VCF-style: chr22-31333900-G-C.
Other names: c.1271C>G, p.Thr424Arg (NM_001303257.2); c.1085C>G, p.Thr362Arg (NM_014941.3); short protein forms T362R, T424R.
Identifiers: ClinVar variation 2737036 (VCV002737036.3), dbSNP rs2517589889, ClinGen allele CA411238932.
Genomic context (GRCh38, chr22:30,937,913, plus strand): 5'-CCCATTGCTCGGAGCAGGTGCCGGTACTCCTTGGCATCAGCAAAGTCCTGTTTGTTGTGT[G>C]TAGGCTCCAGGACCAGGTAGGGCACATCAACAACCCCAACAACCCCGCCACATGCCCTAC-3'
Protein context (NP_001290185.1, residues 414-434): VDVPYLVLEP[Thr424Arg]HNKQDFADAK

ClinVar aggregate classification (germline): Pathogenic (1 of 4 stars; one submission).

Conditions:
Charcot-Marie-Tooth disease axonal type 2Z. Also called: CHARCOT-MARIE-TOOTH DISEASE, AXONAL, AUTOSOMAL DOMINANT, TYPE 2Z; CHARCOT-MARIE-TOOTH NEUROPATHY, TYPE 2Z. Identifiers: Orphanet 466768, MedGen C5569025, MONDO:0014736, OMIM 616688.

Submission:

Labcorp Genetics (formerly Invitae), Labcorp
Classification: Pathogenic for Charcot-Marie-Tooth disease axonal type 2Z. Last evaluated: 2023-12-28. Review status: criteria provided, single submitter. Criteria: Invitae Variant Classification Sherloc (09022015). Collection method: clinical testing. Allele origin: germline.
Comment: This sequence change replaces threonine, which is neutral and polar, with arginine, which is basic and polar, at codon 424 of the MORC2 protein (p.Thr424Arg). This variant is not present in population databases (gnomAD no frequency). This missense change has been observed in individual(s) with spinal muscular atrophy and cerebellar atrophy (PMID: 27794525). In at least one individual the variant was observed to be de novo. This variant is also known as p.T362R. Advanced modeling of protein sequence and biophysical properties (such as structural, functional, and spatial information, amino acid conservation, physicochemical variation, residue mobility, and thermodynamic stability) performed at Invitae indicates that this missense variant is expected to disrupt MORC2 protein function with a positive predictive value of 95%. This variant disrupts the p.Thr424 amino acid residue in MORC2. Other variant(s) that disrupt this residue have been determined to be pathogenic (Invitae). This suggests that this residue is clinically significant, and that variants that disrupt this residue are likely to be disease-causing. For these reasons, this variant has been classified as Pathogenic.

Literature cited by the submitters: PubMed 27794525.